The following is an entry in ClinVar:

NM_000135.4(FANCA):c.2294T>C (p.Leu765Pro)

Gene: FANCA (FA complementation group A; minus strand). Cytogenetic location: 16q24.3.
Variant type: single nucleotide variant.
Coding change: c.2294T>C on transcript NM_000135.4 (MANE Select); coding-DNA position 2294, T replaced by C.
Protein change: p.Leu765Pro; replaces leucine 765 with proline.
Molecular consequence: missense variant.
Genome position (GRCh38, 1-based): chr16:89,770,188, A>G on the plus strand (T>C on the coding strand, the complement: FANCA is on the minus strand). VCF-style: chr16-89770188-A-G. GRCh37 (hg19) VCF-style: chr16-89836596-A-G.
Other names: c.2294T>C, p.Leu765Pro (NM_001286167.3); short protein forms L765P.
Identifiers: ClinVar variation 4870845 (VCV004870845.1).
Genomic context (GRCh38, chr16:89,770,188, plus strand): 5'-GGGCCCCCAAGGGTGGCCCCCATGAAGGAGAGCCTCACCTGGTGACGGAGCAGCTGGCAG[A>G]GCCGGGTGAGCACTGCAGGGAGCACACGTCCACACATGGTCCTCACGAAGAGGGCAGCCC-3'
Protein context (NP_000126.2, residues 755-775): GRVLPAVLTR[Leu765Pro]CQLLRHQGPS

ClinVar aggregate classification (germline): Uncertain significance (1 of 4 stars; one submission).

Conditions:
Inborn genetic diseases. Identifiers: MedGen C0950123, MeSH D030342.

Submission:

Ambry Genetics
Classification: Uncertain significance for Inborn genetic diseases. Last evaluated: 2026-04-20. Review status: criteria provided, single submitter. Criteria: Ambry Variant Classification Scheme 2023. Collection method: clinical testing. Allele origin: germline.
Comment: The p.L765P variant (also known as c.2294T>C), located in coding exon 25 of the FANCA gene, results from a T to C substitution at nucleotide position 2294. The leucine at codon 765 is replaced by proline, an amino acid with similar properties. This amino acid position is conserved. In addition, this alteration is predicted to be deleterious by in silico analysis. Based on the available evidence, the clinical significance of this variant remains unclear.